The following is an entry in ClinVar:

ClinVar aggregate classification (germline): Uncertain significance. Review status: criteria provided, multiple submitters, no conflicts (2 of 4 stars). 2 submissions from 2 submitters: Uncertain significance (2). Last evaluated 2020-04-16.

Submissions (2):

GeneDx
Classification: Uncertain significance. Last evaluated: 2020-04-16. Review status: criteria provided, single submitter. Criteria: GeneDx Variant Classification Process June 2021. Collection method: clinical testing. Allele origin: germline. Affected: yes.
Comment: Reported as paternally inherited in a patient with congenital ichthyosis who harbored a maternally inherited missense variant as well as a de novo frameshift variant in SULT2B1 (Heinz et al., 2017); Identified in the heterozygous state at a frequency of 0.8% in healthy control indivivduals of Caucasian background (Ji et al., 2007); reported as Ser337Pro338del (del AGCCCC) due to the use of alternate nomenclature; Functional studies using transfected cells showed no significant different in the immunoreactive protein for this variant compared to the wild-type protein (Ji et al., 2007); In silico analysis supports that this variant does not alter protein structure/function; This variant is associated with the following publications: (PMID: 17496163, 28571749, 28575648)

Breakthrough Genomics
Classification: Uncertain significance. Review status: criteria provided, single submitter. Criteria: ACMG Guidelines, 2015. Collection method: not provided. Allele origin: germline. Inheritance: Autosomal dominant inheritance. Affected: yes.

NM_177973.2(SULT2B1):c.1042AGCCCC[2] (p.348SP[2])

Gene: SULT2B1 (sulfotransferase family 2B member 1; plus strand). Cytogenetic location: 19q13.33.
Variant type: Microsatellite.
Coding change: c.1042AGCCCC[2] on transcript NM_177973.2 (MANE Select); two copies in a row of the 6-base unit AGCCCC starting at c.1042; the reference has three copies in a row; one copy, 6 bases deleted.
Protein change: p.348SP[2].
Molecular consequence: inframe deletion.
Genome position (GRCh38, 1-based): chr19:48,599,362-48,599,367, AGCCCC deleted; deleting any 6 consecutive bases within chr19:48,599,348-48,599,367 gives the same sequence; the position shown is the placement nearest the transcript's 3' end. VCF-style (leftmost placement, unchanged base first): chr19-48599347-TCCAGCC-T. GRCh37 (hg19) VCF-style: chr19-49102604-TCCAGCC-T.
Other names: c.997AGCCCC[2], p.333SP[2] (NM_004605.2).
Identifiers: ClinVar variation 1303541 (VCV001303541.3), dbSNP rs16989366, ClinGen allele CA9553290.